The following is an entry in ClinVar:

NM_002734.5(PRKAR1A):c.407_408del (p.Val136fs)

Gene: PRKAR1A (protein kinase cAMP-dependent type I regulatory subunit alpha; plus strand). Cytogenetic location: 17q24.2.
Variant type: Microsatellite.
Coding change: c.407_408del on transcript NM_002734.5 (MANE Select); coding-DNA positions 407 to 408, 2 bases deleted (TG; older notation c.407_408delTG).
Protein change: p.Val136fs; shifts the reading frame from valine 136.
Molecular consequence: frameshift variant.
Genome position (GRCh38, 1-based): chr17:68,523,783-68,523,784, TG deleted; deleting any 2 consecutive bases within chr17:68,523,781-68,523,784 gives the same sequence; the c. name uses the placement nearest the transcript's 3' end. VCF-style (leftmost placement, unchanged base first): chr17-68523780-ATG-A. GRCh37 (hg19) VCF-style: chr17-66519921-ATG-A.
Other names: c.407_408del, p.Val136fs (NM_001276289.2, NM_001276290.1, NM_001278433.2 and 4 more transcripts); short protein forms V136fs.
Identifiers: ClinVar variation 420084 (VCV000420084.2), dbSNP rs1064794280, ClinGen allele CA16620593.

ClinVar aggregate classification (germline): Pathogenic (1 of 4 stars; one submission).

Submission:

GeneDx
Classification: Pathogenic. Last evaluated: 2017-02-28. Review status: criteria provided, single submitter. Criteria: GeneDx Variant Classification (06012015). Collection method: clinical testing. Allele origin: germline. Affected: yes.
Comment: The c.407_408delTG variant in the PRKAR1A gene has been reported previously in association with Carney complex (Mabuchi et al., 2005). The deletion causes a frameshift starting with codon Valine 136, changes this amino acid to an Alanine residue and creates a premature Stop codon at position 6 of the new reading frame, denoted p.Val136AlafsX6. This variant is predicted to cause loss of normal protein function either through protein truncation or nonsense-mediated mRNA decay. Based on currently available evidence, we consider c.407_408delTG to be pathogenic.